The following is an entry in ClinVar:

ClinVar aggregate classification (germline): Uncertain significance (1 of 4 stars; one submission).

Allele frequency attached by ClinVar (database versions not stated): ExAC 0.00001; gnomAD exomes 0.00001.
gnomAD v4.1: 19 of 1,614,054 alleles (0.0012%); highest among the groups gnomAD compares: Non-Finnish European, 0.0015%; no homozygotes.

Submission:

Labcorp Genetics (formerly Invitae), Labcorp
Classification: Uncertain significance. Last evaluated: 2024-01-05. Review status: criteria provided, single submitter. Criteria: Invitae Variant Classification Sherloc (09022015). Collection method: clinical testing. Allele origin: germline.
Comment: This sequence change replaces arginine, which is basic and polar, with histidine, which is basic and polar, at codon 770 of the PRPF6 protein (p.Arg770His). This variant is present in population databases (rs760110452, gnomAD 0.002%). This variant has not been reported in the literature in individuals affected with PRPF6-related conditions. ClinVar contains an entry for this variant (Variation ID: 2192648). Advanced modeling of protein sequence and biophysical properties (such as structural, functional, and spatial information, amino acid conservation, physicochemical variation, residue mobility, and thermodynamic stability) performed at Invitae indicates that this missense variant is expected to disrupt PRPF6 protein function with a positive predictive value of 80%. In summary, the available evidence is currently insufficient to determine the role of this variant in disease. Therefore, it has been classified as a Variant of Uncertain Significance.

NM_012469.4(PRPF6):c.2309G>A (p.Arg770His)

Gene: PRPF6 (pre-mRNA processing factor 6; plus strand). Cytogenetic location: 20q13.33.
Variant type: single nucleotide variant.
Coding change: c.2309G>A on transcript NM_012469.4 (MANE Select); coding-DNA position 2309, G replaced by A.
Protein change: p.Arg770His; replaces arginine 770 with histidine.
Molecular consequence: missense variant.
Genome position (GRCh38, 1-based): chr20:64,027,706, G>A. VCF-style: chr20-64027706-G-A. GRCh37 (hg19) VCF-style: chr20-62659059-G-A.
Other names: short protein forms R770H.
Identifiers: ClinVar variation 2192648 (VCV002192648.4), dbSNP rs760110452, ClinGen allele CA9972415.